The following is an entry in ClinVar:

ClinVar aggregate classification (germline): Pathogenic. Review status: criteria provided, multiple submitters, no conflicts (2 of 4 stars). 2 submissions from 2 submitters: Pathogenic (2). Last evaluated 2024-11-21.

Conditions:
SYNE1-related disorder. Also called: SYNE1-related disorders; SYNE1-related disease; SYNE1-related condition.

Submissions (2):

Blueprint Genetics
Classification: Pathogenic for SYNE1-related disorders. Last evaluated: 2024-11-21. Review status: criteria provided, single submitter. Criteria: ACMG Guidelines, 2015. Collection method: clinical testing. Allele origin: germline. Affected: yes. Observed: 2 variant alleles.

CeGaT Center for Human Genetics Tuebingen
Classification: Pathogenic. Last evaluated: 2023-04-01. Review status: criteria provided, single submitter. Criteria: CeGaT Center For Human Genetics Tuebingen Variant Classification Criteria Version 2. Collection method: clinical testing. Allele origin: germline. Affected: yes. Observed: 1 variant allele.
Comment: SYNE1: PVS1, PM2, PS4:Supporting

NM_182961.4(SYNE1):c.17312_17313del (p.Ile5771fs)

Gene: SYNE1 (spectrin repeat containing nuclear envelope protein 1; minus strand). Cytogenetic location: 6q25.2.
Variant type: Deletion.
Coding change: c.17312_17313del on transcript NM_182961.4 (MANE Select); coding-DNA positions 17312 to 17313, 2 bases deleted (TA; older notation c.17312_17313delTA).
Protein change: p.Ile5771fs; shifts the reading frame from isoleucine 5771.
Molecular consequence: frameshift variant.
Genome position (GRCh38, 1-based): chr6:152,308,522-152,308,523, TA deleted on the plus strand (TA on the coding strand, the reverse complement: SYNE1 is on the minus strand); deleting any 2 consecutive bases within chr6:152,308,522-152,308,524 gives the same sequence; the c. name uses the placement nearest the transcript's 3' end. VCF-style (leftmost placement, unchanged base first): chr6-152308521-GTA-G. GRCh37 (hg19) VCF-style: chr6-152629656-GTA-G.
Other names: c.17099_17100del, p.Ile5700fs (NM_033071.5); short protein forms I5700fs, I5771fs.
Identifiers: ClinVar variation 2571263 (VCV002571263.28), dbSNP rs2552092315, ClinGen allele CA2578774270.